The following is an entry in ClinVar:

ClinVar aggregate classification (germline): Uncertain significance (1 of 4 stars; one submission).

gnomAD v4.1: 10 of 1,553,394 alleles (0.00064%); highest among the groups gnomAD compares: South Asian, 0.0012%; no homozygotes.

Submission:

Labcorp Genetics (formerly Invitae), Labcorp
Classification: Uncertain significance. Last evaluated: 2024-10-16. Review status: criteria provided, single submitter. Criteria: Invitae Variant Classification Sherloc (09022015). Collection method: clinical testing. Allele origin: germline.
Comment: This sequence change replaces threonine, which is neutral and polar, with alanine, which is neutral and non-polar, at codon 695 of the SEC63 protein (p.Thr695Ala). This variant is present in population databases (rs772975470, gnomAD 0.002%). This variant has not been reported in the literature in individuals affected with SEC63-related conditions. An algorithm developed to predict the effect of missense changes on protein structure and function (PolyPhen-2) suggests that this variant is likely to be tolerated. In summary, the available evidence is currently insufficient to determine the role of this variant in disease. Therefore, it has been classified as a Variant of Uncertain Significance.

NM_007214.5(SEC63):c.2083A>G (p.Thr695Ala)

Gene: SEC63 (SEC63 protein translocation regulator; minus strand). Cytogenetic location: 6q21.
Variant type: single nucleotide variant.
Coding change: c.2083A>G on transcript NM_007214.5 (MANE Select); coding-DNA position 2083, A replaced by G.
Protein change: p.Thr695Ala; replaces threonine 695 with alanine.
Molecular consequence: missense variant.
Genome position (GRCh38, 1-based): chr6:107,872,864, T>C on the plus strand (A>G on the coding strand, the complement: SEC63 is on the minus strand). VCF-style: chr6-107872864-T-C. GRCh37 (hg19) VCF-style: chr6-108194068-T-C.
Other names: short protein forms T695A.
Identifiers: ClinVar variation 3608071 (VCV003608071.2).